The following is an entry in ClinVar:

NM_006734.4(HIVEP2):c.220G>A (p.Glu74Lys)

Gene: HIVEP2 (HIVEP zinc finger 2; minus strand). Cytogenetic location: 6q24.2.
Variant type: single nucleotide variant.
Coding change: c.220G>A on transcript NM_006734.4 (MANE Select); coding-DNA position 220, G replaced by A.
Protein change: p.Glu74Lys; replaces glutamic acid 74 with lysine.
Molecular consequence: missense variant.
Genome position (GRCh38, 1-based): chr6:142,774,519, C>T on the plus strand (G>A on the coding strand, the complement: HIVEP2 is on the minus strand). VCF-style: chr6-142774519-C-T. GRCh37 (hg19) VCF-style: chr6-143095656-C-T.
Other names: c.220G>A, p.Glu74Lys (NM_001438449.1, NM_001438450.1, NM_001438451.1); short protein forms E74K.
Identifiers: ClinVar variation 4742746 (VCV004742746.1).

ClinVar aggregate classification (germline): Uncertain significance (1 of 4 stars; one submission).

Submission:

Labcorp Genetics (formerly Invitae), Labcorp
Classification: Uncertain significance. Last evaluated: 2025-05-11. Review status: criteria provided, single submitter. Criteria: Invitae Variant Classification Sherloc (09022015). Collection method: clinical testing. Allele origin: germline.
Comment: This sequence change replaces glutamic acid, which is acidic and polar, with lysine, which is basic and polar, at codon 74 of the HIVEP2 protein (p.Glu74Lys). This variant is not present in population databases (gnomAD no frequency). This variant has not been reported in the literature in individuals affected with HIVEP2-related conditions. Invitae Evidence Modeling of protein sequence and biophysical properties (such as structural, functional, and spatial information, amino acid conservation, physicochemical variation, residue mobility, and thermodynamic stability) indicates that this missense variant is not expected to disrupt HIVEP2 protein function with a negative predictive value of 80%. In summary, the available evidence is currently insufficient to determine the role of this variant in disease. Therefore, it has been classified as a Variant of Uncertain Significance.